The following is an entry in ClinVar:

NM_004958.4(MTOR):c.4253+6946C>T

Genes: ANGPTL7 (angiopoietin like 7; plus strand), MTOR (mechanistic target of rapamycin kinase; minus strand). Cytogenetic location: 1p36.22.
Variant type: single nucleotide variant.
Coding change: c.4253+6946C>T on transcript NM_004958.4 (MANE Select); 6946 bases into the intron after coding-DNA position 4253, C replaced by T.
Molecular consequence: intron variant. On other transcripts: missense variant (1).
Genome position (GRCh38, 1-based): chr1:11,192,312, G>A on the plus strand (C>T on the coding strand, the complement: MTOR is on the minus strand). VCF-style: chr1-11192312-G-A. GRCh37 (hg19) VCF-style: chr1-11252369-G-A.
Other names: c.419G>A, p.Arg140His (NM_021146.4); c.3005+6946C>T (NM_001386501.1); c.4253+6946C>T (NM_001386500.1); short protein forms R140H.
Identifiers: ClinVar variation 2638224 (VCV002638224.24), dbSNP rs28991002, ClinGen allele CA589807.

ClinVar aggregate classification (germline): Likely benign (1 of 4 stars; one submission).

Allele frequency attached by ClinVar (database versions not stated): 1000 Genomes Project 0.00120; 1000 Genomes Project 30x 0.00125; TOPMed 0.00157; gnomAD 0.00190; ESP Exome Variant Server 0.00208.
gnomAD v4.1: 3,552 of 1,613,936 alleles (0.22%); highest among the groups gnomAD compares: Non-Finnish European, 0.25%; 4 homozygotes.

Submission:

CeGaT Center for Human Genetics Tuebingen
Classification: Likely benign. Last evaluated: 2026-06-01. Review status: criteria provided, single submitter. Criteria: CeGaT Center For Human Genetics Tuebingen Variant Classification Criteria Version 2. Collection method: clinical testing. Allele origin: germline. Affected: yes. Observed: 8 variant alleles.
Comment: MTOR: BS1